The following is an entry in ClinVar:

ClinVar aggregate classification (germline): Pathogenic (1 of 4 stars; one submission).

Conditions:
Fetal anomalies with a likely genetic cause.

Submission:

Genetics Laboratory, Great Ormond Street Hospital NHS Foundation Trust, North Thames Genomic Laboratory Hub
Classification: Pathogenic for Fetal anomalies with a likely genetic cause. Last evaluated: 2026-08-05. Review status: criteria provided, single submitter. Criteria: ACGS Best Practice Guidelines for Variant Classification in Rare Disease 2024 v1.2. Collection method: clinical testing. Allele origin: germline. Affected: yes.
Comment: PM2_moderate, PVS1_very-strong

NM_138370.3(PKDCC):c.225dup (p.Gly76fs)

Gene: PKDCC (protein kinase domain containing, cytoplasmic; plus strand). Cytogenetic location: 2p21.
Variant type: Duplication.
Coding change: c.225dup on transcript NM_138370.3 (MANE Select); coding-DNA position 225, one base duplicated (C; older notation c.225dupC).
Protein change: p.Gly76fs; shifts the reading frame from glycine 76.
Molecular consequence: frameshift variant.
Genome position (GRCh38, 1-based): chr2:42,048,424, C duplicated; the last of 4 consecutive C bases (chr2:42,048,421-42,048,424); duplicating any one gives the same sequence. VCF-style (leftmost placement, unchanged base first): chr2-42048420-G-GC. GRCh37 (hg19) VCF-style: chr2-42275560-G-GC.
Other names: short protein forms G76fs.
Identifiers: ClinVar variation 5010266 (VCV005010266.1).
Genomic context (GRCh38, chr2:42,048,420, plus strand): 5'-GGGAGCTGGCCCGGCAGATCCGGGCGCGCTACGAGGAGGTGCAGCGCTATTCCCGCGGGG[G>GC]CCCCGGGCCCGGGGCGGGCCGGCCGGAGCGGCGGCGCCTGATGGACCTGGCTCCGGGCGG-3'